The following is an entry in ClinVar:

NM_003119.4(SPG7):c.80C>G (p.Pro27Arg)

Genes: SPG7 (SPG7 matrix AAA peptidase subunit, paraplegin; plus strand), LOC130059818 (ATAC-STARR-seq lymphoblastoid silent region 7911; plus strand). Cytogenetic location: 16q24.3.
Variant type: single nucleotide variant.
Coding change: c.80C>G on transcript NM_003119.4 (MANE Select); coding-DNA position 80, C replaced by G.
Protein change: p.Pro27Arg; replaces proline 27 with arginine.
Molecular consequence: missense variant.
Genome position (GRCh38, 1-based): chr16:89,508,497, C>G. VCF-style: chr16-89508497-C-G. GRCh37 (hg19) VCF-style: chr16-89574905-C-G.
Other names: p.Pro27Arg; c.80C>G (NM_003119.2); c.80C>G, p.Pro27Arg (NM_001363850.1, NM_199367.3); short protein forms P27R.
Identifiers: ClinVar variation 239500 (VCV000239500.15), dbSNP rs878854605, ClinGen allele CA10583433.

ClinVar aggregate classification (germline): Uncertain significance. Review status: criteria provided, multiple submitters, no conflicts (2 of 4 stars). 5 submissions from 5 submitters: Uncertain significance (5). Last evaluated 2026-04-23.

Conditions:
Hereditary spastic paraplegia 7 (SPG7). Also called: SPG7-related neurologic disorder; Spastic paraplegia 7; Hereditary spastic paraplegia Paraplegin type; SPASTIC PARAPLEGIA 7, AUTOSOMAL RECESSIVE, WITH OR WITHOUT CEREBELLAR ATAXIA; Autosomal recessive spastic paraplegia type 7. Identifiers: Orphanet 99013, MedGen C1846564, MONDO:0011803, OMIM 607259.
Inborn genetic diseases. Identifiers: MedGen C0950123, MeSH D030342.

Allele frequency attached by ClinVar (database versions not stated): gnomAD exomes 0.00007 and 0.00012; gnomAD 0.00013 and 0.00012; TOPMed 0.00011.
gnomAD v4.1: 177 of 1,512,292 alleles (0.012%); highest among the groups gnomAD compares: Non-Finnish European, 0.014%; no homozygotes.

Submissions (5):

GeneDx
Classification: Uncertain significance. Last evaluated: 2026-04-23. Review status: criteria provided, single submitter. Criteria: GeneDx Variant Classification Process June 2021. Collection method: clinical testing. Allele origin: germline.
Comment: In silico analysis suggests that this missense variant does not alter protein structure/function; Has not been previously published as pathogenic or benign to our knowledge

Labcorp Genetics (formerly Invitae), Labcorp
Classification: Uncertain significance for Hereditary spastic paraplegia 7. Last evaluated: 2025-06-01. Review status: criteria provided, single submitter. Criteria: Invitae Variant Classification Sherloc (09022015). Collection method: clinical testing. Allele origin: germline.
Comment: This sequence change replaces proline, which is neutral and non-polar, with arginine, which is basic and polar, at codon 27 of the SPG7 protein (p.Pro27Arg). This variant is present in population databases (no rsID available, gnomAD 0.03%). This missense change has been observed in individual(s) with clinical features of SPG7-related conditions (internal data). ClinVar contains an entry for this variant (Variation ID: 239500). Invitae Evidence Modeling of protein sequence and biophysical properties (such as structural, functional, and spatial information, amino acid conservation, physicochemical variation, residue mobility, and thermodynamic stability) indicates that this missense variant is not expected to disrupt SPG7 protein function with a negative predictive value of 95%. In summary, the available evidence is currently insufficient to determine the role of this variant in disease. Therefore, it has been classified as a Variant of Uncertain Significance.

Mayo Clinic Laboratories, Mayo Clinic
Classification: Uncertain significance. Last evaluated: 2024-02-09. Review status: criteria provided, single submitter. Criteria: ACMG Guidelines, 2015. Collection method: clinical testing. Allele origin: germline. Observed: 1 variant allele.
Comment: BP4

Athena Diagnostics
Classification: Uncertain significance. Last evaluated: 2023-05-12. Review status: criteria provided, single submitter. Criteria: Athena Diagnostics Criteria. Collection method: clinical testing. Allele origin: unknown.
Comment: Available data are insufficient to determine the clinical significance of the variant at this time. The frequency of this variant in the general population is uninformative in assessment of its pathogenicity. Computational tools predict that this variant is not damaging. The variant is located in a region that is considered important for protein function and/or structure.

Ambry Genetics
Classification: Uncertain significance for Inborn genetic diseases. Last evaluated: 2023-04-12. Review status: criteria provided, single submitter. Criteria: Ambry Variant Classification Scheme 2023. Collection method: clinical testing. Allele origin: germline.